The following is an entry in ClinVar:

NM_002047.4(GARS1):c.1001T>A (p.Ile334Asn)

Gene: GARS1 (glycyl-tRNA synthetase 1; plus strand). Cytogenetic location: 7p14.3.
Variant type: single nucleotide variant.
Coding change: c.1001T>A on transcript NM_002047.4 (MANE Select); coding-DNA position 1001, T replaced by A.
Protein change: p.Ile334Asn; replaces isoleucine 334 with asparagine.
Molecular consequence: missense variant.
Genome position (GRCh38, 1-based): chr7:30,612,215, T>A. VCF-style: chr7-30612215-T-A. GRCh37 (hg19) VCF-style: chr7-30651831-T-A.
Other names: c.839T>A, p.Ile280Asn (NM_001316772.1); short protein forms I334N, I280N.
Identifiers: ClinVar variation 543227 (VCV000543227.14), dbSNP rs1554338262, ClinGen allele CA367125516.
Genomic context (GRCh38, chr7:30,612,215, plus strand): 5'-TCAACCAAGGAAAGTTGCCTTTTGCTGCTGCCCAGATTGGAAATTCTTTTAGAAATGAGA[T>A]CTCCCCTCGATCTGGACTGATCAGAGTCAGGTACTGCTCAGGTTACTCTTACAAATTAGT-3'
Protein context (NP_002038.2, residues 324-344): AQIGNSFRNE[Ile334Asn]SPRSGLIRVR

ClinVar aggregate classification (germline): Pathogenic/Likely pathogenic. Review status: criteria provided, multiple submitters, no conflicts (2 of 4 stars). 4 submissions from 4 submitters: Pathogenic (1); Likely pathogenic (1). 2 of the submissions do not count toward it. Last evaluated 2022-06-20.

Conditions:
Spinal muscular atrophy, infantile, James type. Also called: GARS1 Infantile-Onset Spinal Muscular Atrophy (GARS1-iSMA). Identifiers: MedGen C5436669, MONDO:0033621, OMIM 619042.
Charcot-Marie-Tooth disease type 2. Also called: Charcot-Marie-Tooth type 2. Identifiers: Orphanet 64746, MedGen C0270914, MONDO:0018993.
Charcot-Marie-Tooth disease type 2D (CMT2D). Also called: GARS1 Adolescent- or Early Adult-Onset Hereditary Motor/Sensory Neuropathy (GARS1-HMSN); Charcot-Marie-Tooth Neuropathy Type 2D; CHARCOT-MARIE-TOOTH DISEASE, AXONAL, TYPE 2D; CHARCOT-MARIE-TOOTH DISEASE, NEURONAL, TYPE 2D. Identifiers: Orphanet 99938, MedGen C1832274, MONDO:0011091, OMIM 601472.

Submissions (4):

Labcorp Genetics (formerly Invitae), Labcorp
Classification: Pathogenic for Charcot-Marie-Tooth disease type 2. Last evaluated: 2022-06-20. Review status: criteria provided, single submitter. Criteria: Invitae Variant Classification Sherloc (09022015). Collection method: clinical testing. Allele origin: germline.
Comment: This sequence change replaces isoleucine, which is neutral and non-polar, with asparagine, which is neutral and polar, at codon 334 of the GARS protein (p.Ile334Asn). For these reasons, this variant has been classified as Pathogenic. This variant disrupts the p.Ile334 amino acid residue in GARS. Other variant(s) that disrupt this residue have been determined to be pathogenic (PMID: 17101916, 24604904, 25168514). This suggests that this residue is clinically significant, and that variants that disrupt this residue are likely to be disease-causing. Algorithms developed to predict the effect of missense changes on protein structure and function (SIFT, PolyPhen-2, Align-GVGD) all suggest that this variant is likely to be disruptive. ClinVar contains an entry for this variant (Variation ID: 543227). This missense change has been observed in individual(s) with clinical features of spinal muscular atrophy (Invitae). In at least one individual the variant was observed to be de novo. This variant is not present in population databases (gnomAD no frequency).

Baylor Genetics
Classification: Likely pathogenic for Charcot-Marie-Tooth disease type 2D. Last evaluated: 2018-10-24. Review status: criteria provided, single submitter. Criteria: ACMG Guidelines, 2015. Collection method: clinical testing. Allele origin: de novo. Affected: yes.
Comment: This variant was determined to be likely pathogenic according to ACMG Guidelines, 2015 [PMID:25741868].

OMIM
Classification: Pathogenic for SPINAL MUSCULAR ATROPHY, INFANTILE, JAMES TYPE. Last evaluated: 2020-10-15. Review status: no assertion criteria provided. Collection method: literature only. Allele origin: germline. Not counted in ClinVar's aggregate classification.

GeneReviews
No classification provided. Condition: Spinal muscular atrophy, infantile, James type. Review status: no classification provided. Collection method: literature only. Allele origin: germline. Not counted in ClinVar's aggregate classification.
Comment: GARS1-iSMA [Markovitz et al 2020]

Literature cited by the submitters: PubMed 17101916 (cited by Labcorp Genetics (formerly Invitae), Labcorp); PubMed 24604904 (cited by Labcorp Genetics (formerly Invitae), Labcorp); PubMed 25168514 (cited by Labcorp Genetics (formerly Invitae), Labcorp); PubMed 32181591 (cited by OMIM and GeneReviews); PubMed 20301420 (cited by GeneReviews).